The following is an entry in ClinVar:

ClinVar aggregate classification (germline): Uncertain significance. Review status: criteria provided, multiple submitters, no conflicts (2 of 4 stars). 5 submissions from 5 submitters: Uncertain significance (5). Last evaluated 2025-03-26.

Conditions:
Inborn genetic diseases. Identifiers: MedGen C0950123, MeSH D030342.
Congenital defect of folate absorption. Also called: Hereditary Folate Malabsorption. Identifiers: Orphanet 90045, MedGen C0342705, MONDO:0009238, OMIM 229050.

Allele frequency attached by ClinVar (database versions not stated): TOPMed 0.00010; gnomAD exomes 0.00011 and 0.00017; ESP Exome Variant Server 0.00016; gnomAD 0.00019 and 0.00020; ExAC 0.00039.

Submissions (5):

Dasa
Classification: Uncertain significance for hereditary folate malabsorption. Last evaluated: 2025-03-26. Review status: criteria provided, single submitter. Criteria: DASA Assertion Criteria. Collection method: clinical testing. Allele origin: germline.
Comment: NM_080669.6(SLC46A1):c.329G>A (p.Ser110Asn) is a missense variant that results in the substitution of serine with asparagine. This variant has been observed in affected individuals with SLC46A1-related disorders. Also, this variant is rare in population databases. Computational prediction algorithms are consistent with a benign effect. The currently available literature and clinical evidence are not sufficient to establish a definitive association between this variant and the reported condition. Therefore, this variant is classified as a variant of uncertain significance.

Blueprint Genetics
Classification: Uncertain significance. Last evaluated: 2024-11-18. Review status: criteria provided, single submitter. Criteria: ACMG Guidelines, 2015. Collection method: clinical testing. Allele origin: germline.

Ambry Genetics
Classification: Uncertain significance for Inborn genetic diseases. Last evaluated: 2023-12-17. Review status: criteria provided, single submitter. Criteria: Ambry Variant Classification Scheme 2023. Collection method: clinical testing. Allele origin: germline.

Labcorp Genetics (formerly Invitae), Labcorp
Classification: Uncertain significance. Last evaluated: 2022-10-21. Review status: criteria provided, single submitter. Criteria: Invitae Variant Classification Sherloc (09022015). Collection method: clinical testing. Allele origin: germline.
Comment: This sequence change replaces serine, which is neutral and polar, with asparagine, which is neutral and polar, at codon 110 of the SLC46A1 protein (p.Ser110Asn). This variant is present in population databases (rs201076728, gnomAD 0.03%). This variant has not been reported in the literature in individuals affected with SLC46A1-related conditions. ClinVar contains an entry for this variant (Variation ID: 1382527). Advanced modeling of protein sequence and biophysical properties (such as structural, functional, and spatial information, amino acid conservation, physicochemical variation, residue mobility, and thermodynamic stability) performed at Invitae indicates that this missense variant is not expected to disrupt SLC46A1 protein function. In summary, the available evidence is currently insufficient to determine the role of this variant in disease. Therefore, it has been classified as a Variant of Uncertain Significance.

Laboratorio de Genetica e Diagnostico Molecular, Hospital Israelita Albert Einstein
Classification: Uncertain significance for Congenital defect of folate absorption. Last evaluated: 2022-09-16. Review status: criteria provided, single submitter. Criteria: ACMG Guidelines, 2015. Collection method: clinical testing. Allele origin: germline. Affected: yes. Observed: 1 variant allele.
Comment: ACMG classification criteria: BP4 supporting

NM_080669.6(SLC46A1):c.329G>A (p.Ser110Asn)

Gene: SLC46A1 (solute carrier family 46 member 1; minus strand). Cytogenetic location: 17q11.2.
Variant type: single nucleotide variant.
Coding change: c.329G>A on transcript NM_080669.6 (MANE Select); coding-DNA position 329, G replaced by A.
Protein change: p.Ser110Asn; replaces serine 110 with asparagine.
Molecular consequence: missense variant.
Genome position (GRCh38, 1-based): chr17:28,405,368, C>T on the plus strand (G>A on the coding strand, the complement: SLC46A1 is on the minus strand). VCF-style: chr17-28405368-C-T. GRCh37 (hg19) VCF-style: chr17-26732386-C-T.
Other names: c.329G>A (NM_080669.4); c.329G>A, p.Ser110Asn (NM_001242366.3); short protein forms S110N.
Identifiers: ClinVar variation 1382527 (VCV001382527.7), dbSNP rs201076728, ClinGen allele CA8458350.
Genomic context (GRCh38, chr17:28,405,368, plus strand): 5'-ACTAGGGCCTGGAGCAGCAGGCCCAGCGAGGCCAGCACTAGCAGCGGGCGGCGGCCCACA[C>T]TGTCGCTCCAAGCTCCCAGCAGGGTGGACGAGAAGAGCCCCACCAGGAAGCCGCCCACGT-3'
Protein context (NP_542400.2, residues 100-120): SSTLLGAWSD[Ser110Asn]VGRRPLLVLA